The following is an entry in ClinVar:

NM_001366385.1(CARD14):c.2432T>C (p.Leu811Pro)

Genes: CARD14 (caspase recruitment domain family member 14; plus strand), SGSH (N-sulfoglucosamine sulfohydrolase; minus strand), LOC126862662 (MED14-independent group 3 enhancer GRCh37_chr17:78178385-78179584; plus strand). Cytogenetic location: 17q25.3.
Variant type: single nucleotide variant.
Coding change: c.2432T>C on transcript NM_001366385.1 (MANE Select); coding-DNA position 2432, T replaced by C.
Protein change: p.Leu811Pro; replaces leucine 811 with proline.
Molecular consequence: missense variant. On other transcripts: non-coding transcript variant (1).
Genome position (GRCh38, 1-based): chr17:80,205,068, T>C. VCF-style: chr17-80205068-T-C. GRCh37 (hg19) VCF-style: chr17-78178867-T-C.
Other names: c.2432T>C, p.Leu811Pro (NM_024110.4); short protein forms L811P.
Identifiers: ClinVar variation 1464456 (VCV001464456.8), dbSNP rs1350403084, ClinGen allele CA401355906.
Genomic context (GRCh38, chr17:80,205,068, plus strand): 5'-CCACCCTCAGGATCCTCTCCTCCACAGGCTCCAGCACGTGCTTCTGGGCCGAGAGCTGCC[T>C]CACCCTGGTGCCCTATACCCTGGTGCGGCCCCATCGACCCGCCCGGCCCCGGCCTGTGCT-3'
Protein context (NP_001353314.1, residues 801-821): SSTCFWAESC[Leu811Pro]TLVPYTLVRP

ClinVar aggregate classification (germline): Uncertain significance (1 of 4 stars; one submission).

Conditions:
Psoriasis 2. Identifiers: MedGen C1864497, MONDO:0011269, OMIM 602723.
Pityriasis rubra pilaris (PRP). Also called: Pityriasis rubra pilaris--familial type. Identifiers: Orphanet 2897, MedGen C0032027, MONDO:0100017, OMIM 173200, MONDO:0008251.

Allele frequency attached by ClinVar (database versions not stated): gnomAD exomes below 0.00001; TOPMed 0.00001.
gnomAD v4.1: 3 of 1,609,908 alleles (0.00019%); highest among the groups gnomAD compares: Non-Finnish European, 0.00025%; no homozygotes.

Submission:

Labcorp Genetics (formerly Invitae), Labcorp
Classification: Uncertain significance for Pityriasis rubra pilaris; Psoriasis 2. Last evaluated: 2025-03-27. Review status: criteria provided, single submitter. Criteria: Invitae Variant Classification Sherloc (09022015). Collection method: clinical testing. Allele origin: germline.
Comment: This sequence change replaces leucine, which is neutral and non-polar, with proline, which is neutral and non-polar, at codon 811 of the CARD14 protein (p.Leu811Pro). This variant is not present in population databases (gnomAD no frequency). This variant has not been reported in the literature in individuals affected with CARD14-related conditions. ClinVar contains an entry for this variant (Variation ID: 1464456). Invitae Evidence Modeling of protein sequence and biophysical properties (such as structural, functional, and spatial information, amino acid conservation, physicochemical variation, residue mobility, and thermodynamic stability) indicates that this missense variant is not expected to disrupt CARD14 protein function with a negative predictive value of 95%. In summary, the available evidence is currently insufficient to determine the role of this variant in disease. Therefore, it has been classified as a Variant of Uncertain Significance.